The following is an entry in ClinVar:

NM_001001331.4(ATP2B2):c.2584G>A (p.Val862Ile)

Gene: ATP2B2 (ATPase plasma membrane Ca2+ transporting 2; minus strand). Cytogenetic location: 3p25.3.
Variant type: single nucleotide variant.
Coding change: c.2584G>A on transcript NM_001001331.4 (MANE Select); coding-DNA position 2584, G replaced by A.
Protein change: p.Val862Ile; replaces valine 862 with isoleucine.
Molecular consequence: missense variant.
Genome position (GRCh38, 1-based): chr3:10,345,503, C>T on the plus strand (G>A on the coding strand, the complement: ATP2B2 is on the minus strand). VCF-style: chr3-10345503-C-T. GRCh37 (hg19) VCF-style: chr3-10387187-C-T.
Other names: c.2449G>A, p.Val817Ile (NM_001330611.3, NM_001353564.1, NM_001363862.1 and 1 more transcripts); short protein forms V817I, V862I.
Identifiers: ClinVar variation 2874906 (VCV002874906.3), dbSNP rs778120026, ClinGen allele CA2253330.
Genomic context (GRCh38, chr3:10,345,503, plus strand): 5'-GGAACTGCAAGAATTTGGAGATGCTGTCATAGACGTTGCGGCCCCACATCACTGCCTTGA[C>T]GATGCTGCTGAAATTGTCGTCTGTCAGGATGATGTCTGAGGCCTCCTTGGCCACGTCAGT-3'
Protein context (NP_001001331.1, residues 852-872): ILTDDNFSSI[Val862Ile]KAVMWGRNVY

ClinVar aggregate classification (germline): Uncertain significance (1 of 4 stars; one submission).

Allele frequency attached by ClinVar (database versions not stated): gnomAD exomes below 0.00001; ExAC 0.00001.
gnomAD v4.1: 6 of 1,614,224 alleles (0.00037%); highest among the groups gnomAD compares: East Asian, 0.0022%; no homozygotes.

Submission:

Labcorp Genetics (formerly Invitae), Labcorp
Classification: Uncertain significance. Last evaluated: 2023-05-08. Review status: criteria provided, single submitter. Criteria: Invitae Variant Classification Sherloc (09022015). Collection method: clinical testing. Allele origin: germline.
Comment: In summary, the available evidence is currently insufficient to determine the role of this variant in disease. Therefore, it has been classified as a Variant of Uncertain Significance. Advanced modeling of protein sequence and biophysical properties (such as structural, functional, and spatial information, amino acid conservation, physicochemical variation, residue mobility, and thermodynamic stability) performed at Invitae indicates that this missense variant is expected to disrupt ATP2B2 protein function. This variant has not been reported in the literature in individuals affected with ATP2B2-related conditions. This variant is present in population databases (rs778120026, gnomAD 0.003%). This sequence change replaces valine, which is neutral and non-polar, with isoleucine, which is neutral and non-polar, at codon 817 of the ATP2B2 protein (p.Val817Ile).